The following is an entry in ClinVar:

ClinVar aggregate classification (germline): Uncertain significance. Review status: criteria provided, multiple submitters, no conflicts (2 of 4 stars). 2 submissions from 2 submitters: Uncertain significance (2). Last evaluated 2025-05-01.

Conditions:
Hajdu-Cheney syndrome (HJCYS). Also called: ACROOSTEOLYSIS WITH OSTEOPOROSIS AND CHANGES IN SKULL AND MANDIBLE; SERPENTINE FIBULA-POLYCYSTIC KIDNEY SYNDROME; Acroosteolysis dominant type. Identifiers: Orphanet 955, MedGen C0917715, MONDO:0007057, OMIM 102500.

gnomAD v4.1: 2 of 1,607,692 alleles (0.00012%); highest among the groups gnomAD compares: Admixed American, 0.0034%; no homozygotes.

Submissions (2):

Labcorp Genetics (formerly Invitae), Labcorp
Classification: Uncertain significance for Hajdu-Cheney syndrome. Last evaluated: 2025-05-01. Review status: criteria provided, single submitter. Criteria: Invitae Variant Classification Sherloc (09022015). Collection method: clinical testing. Allele origin: germline.
Comment: This sequence change replaces serine, which is neutral and polar, with glycine, which is neutral and non-polar, at codon 1323 of the NOTCH2 protein (p.Ser1323Gly). This variant is present in population databases (rs770576934, gnomAD 0.006%). This variant has not been reported in the literature in individuals affected with NOTCH2-related conditions. Invitae Evidence Modeling of protein sequence and biophysical properties (such as structural, functional, and spatial information, amino acid conservation, physicochemical variation, residue mobility, and thermodynamic stability) indicates that this missense variant is not expected to disrupt NOTCH2 protein function with a negative predictive value of 80%. In summary, the available evidence is currently insufficient to determine the role of this variant in disease. Therefore, it has been classified as a Variant of Uncertain Significance.

Mayo Clinic Laboratories, Mayo Clinic
Classification: Uncertain significance. Last evaluated: 2024-10-09. Review status: criteria provided, single submitter. Criteria: ACMG Guidelines, 2015. Collection method: clinical testing. Allele origin: germline. Observed: 1 variant allele.

NM_024408.4(NOTCH2):c.3967A>G (p.Ser1323Gly)

Gene: NOTCH2 (notch receptor 2; minus strand). Cytogenetic location: 1p12.
Variant type: single nucleotide variant.
Coding change: c.3967A>G on transcript NM_024408.4 (MANE Select); coding-DNA position 3967, A replaced by G.
Protein change: p.Ser1323Gly; replaces serine 1323 with glycine.
Molecular consequence: missense variant.
Genome position (GRCh38, 1-based): chr1:119,926,537, T>C on the plus strand (A>G on the coding strand, the complement: NOTCH2 is on the minus strand). VCF-style: chr1-119926537-T-C. GRCh37 (hg19) VCF-style: chr1-120469160-T-C.
Other names: p.Ser1323Gly; short protein forms S1323G.
Identifiers: ClinVar variation 4541410 (VCV004541410.2).